The following is an entry in ClinVar:

NM_007294.4(BRCA1):c.5308G>A (p.Gly1770Arg)

Gene: BRCA1 (BRCA1 DNA repair associated; minus strand). Cytogenetic location: 17q21.31.
Variant type: single nucleotide variant.
Coding change: c.5308G>A on transcript NM_007294.4 (MANE Select); coding-DNA position 5308, G replaced by A.
Protein change: p.Gly1770Arg; replaces glycine 1770 with arginine.
Molecular consequence: missense variant. On other transcripts: non-coding transcript variant (1).
Genome position (GRCh38, 1-based): chr17:43,051,087, C>T on the plus strand (G>A on the coding strand, the complement: BRCA1 is on the minus strand). VCF-style: chr17-43051087-C-T. GRCh37 (hg19) VCF-style: chr17-41203104-C-T.
Other names: c.5224G>A, p.Gly1742Arg (NM_001407659.1, NM_001407660.1, NM_001407661.1 and 2 more transcripts); c.5182G>A, p.Gly1728Arg (NM_001407673.1, NM_001407674.1, NM_001407675.1 and 10 more transcripts); c.5179G>A, p.Gly1727Arg (NM_001407681.1, NM_001407682.1, NM_001407683.1 and 6 more transcripts); c.5167G>A, p.Gly1723Arg (NM_001407694.1, NM_001407695.1, NM_001407696.1 and 13 more transcripts); c.5164G>A, p.Gly1722Arg (NM_001407738.1, NM_001407739.1, NM_001407740.1 and 21 more transcripts); c.5161G>A, p.Gly1721Arg (NM_001407843.1, NM_001407844.1, NM_001407845.1 and 12 more transcripts); c.5101G>A, p.Gly1701Arg (NM_001407875.1, NM_001407874.1); c.5098G>A, p.Gly1700Arg (NM_001407879.1, NM_001407881.1, NM_001407882.1 and 5 more transcripts); and 72 more; short protein forms G1723R, G1770R, G1791R, G666R, G1474R, G1601R, G1616R, G1641R.
Identifiers: ClinVar variation 865581 (VCV000865581.12), dbSNP rs2051203696, ClinGen allele CA10590933.
Genomic context (GRCh38, chr17:43,051,087, plus strand): 5'-TGGTGCTGGAACTCTGGGGTTCTCCCAGGCTCTTACCTGTGGGCATGTTGGTGAAGGGCC[C>T]ATAGCAACAGATTTCTAGCCCCCTGAAGATCTGGAAGAAGAGAGGAAGAGAGAGGGACAG-3'
Protein context (NP_009225.1, residues 1760-1780): IFRGLEICCY[Gly1770Arg]PFTNMPTDQL

ClinVar aggregate classification (germline): Uncertain significance (1 of 4 stars; one submission).

Conditions:
Hereditary breast ovarian cancer syndrome. Also called: Hereditary breast and/or ovarian cancer syndrome; BRCA1- and BRCA2-Associated Hereditary Breast and Ovarian Cancer; Hereditary breast and ovarian cancer syndrome; Hereditary breast and ovarian cancer; Hereditary breast and ovarian cancer syndrome (HBOC); Breast and ovarian cancer. Identifiers: Orphanet 145, MedGen C0677776, MeSH D061325, MONDO:0003582. Disease mechanism: loss of function.

Submissions (2):

Labcorp Genetics (formerly Invitae), Labcorp
Classification: Uncertain significance for Hereditary breast ovarian cancer syndrome. Last evaluated: 2020-09-13. Review status: criteria provided, single submitter. Criteria: Invitae Variant Classification Sherloc (09022015). Collection method: clinical testing. Allele origin: germline.
Comment: In summary, the available evidence is currently insufficient to determine the role of this variant in disease. Therefore, it has been classified as a Variant of Uncertain Significance. This variant disrupts the p.Gly1770 amino acid residue in BRCA1. Other variant(s) that disrupt this residue have been determined to be pathogenic (PMID: 26864382, 23867111, 23613828, 30765603, 30105462). This suggests that this residue is clinically significant, and that variants that disrupt this residue are likely to be disease-causing. Algorithms developed to predict the effect of sequence changes on RNA splicing suggest that this variant may create or strengthen a splice site, but this prediction has not been confirmed by published transcriptional studies. Advanced modeling of experimental studies (such as gene expression, population dynamics, functional pathways, and cell-cycle effects in cell culture) performed at Invitae indicates that this missense variant is expected to disrupt BRCA1 protein function. This variant has not been reported in the literature in individuals with BRCA1-related conditions. ClinVar contains an entry for this variant (Variation ID: 865581). This variant is not present in population databases (ExAC no frequency). This sequence change replaces glycine with arginine at codon 1770 of the BRCA1 protein (p.Gly1770Arg). The glycine residue is highly conserved and there is a moderate physicochemical difference between glycine and arginine.

Brotman Baty Institute, University of Washington
No classification provided (evidence only). Condition: Breast-ovarian cancer, familial 1. Review status: no classification provided. Collection method: in vitro. Allele origin: not applicable. Functional consequence: function_uncertain_variant. Not counted in ClinVar's aggregate classification.
ClinVar note: "not provided" was previously submitted as the classification for the variant. However, the classification appeared to be based only on an observation of functional data so it was converted to no classification on 2025-07-30.

Literature cited by the submitters: PubMed 26864382 (cited by Labcorp Genetics (formerly Invitae), Labcorp); PubMed 23867111 (cited by Labcorp Genetics (formerly Invitae), Labcorp); PubMed 23613828 (cited by Labcorp Genetics (formerly Invitae), Labcorp); PubMed 30765603 (cited by Labcorp Genetics (formerly Invitae), Labcorp); PubMed 30105462 (cited by Labcorp Genetics (formerly Invitae), Labcorp).